The following is an entry in ClinVar:

NM_001371986.1(UNC80):c.7892T>C (p.Met2631Thr)

Gene: UNC80 (unc-80 subunit of NALCN channel complex; plus strand). Cytogenetic location: 2q34.
Variant type: single nucleotide variant.
Coding change: c.7892T>C on transcript NM_001371986.1 (MANE Select); coding-DNA position 7892, T replaced by C.
Protein change: p.Met2631Thr; replaces methionine 2631 with threonine.
Molecular consequence: missense variant.
Genome position (GRCh38, 1-based): chr2:209,967,523, T>C. VCF-style: chr2-209967523-T-C. GRCh37 (hg19) VCF-style: chr2-210832247-T-C.
Other names: c.7694T>C (NM_032504.1); c.7694T>C, p.Met2565Thr (NM_032504.2); c.7679T>C, p.Met2560Thr (NM_182587.4); short protein forms M2560T, M2631T, M2565T.
Identifiers: ClinVar variation 1948128 (VCV001948128.4), dbSNP rs764391465, ClinGen allele CA2083513.

ClinVar aggregate classification (germline): Uncertain significance. Review status: criteria provided, multiple submitters, no conflicts (2 of 4 stars). 3 submissions from 3 submitters: Uncertain significance (3). Last evaluated 2025-07-03.

Conditions:
Hypotonia, infantile, with psychomotor retardation and characteristic facies 2 (IHPRF2). Also called: UNC80 Deficiency. Identifiers: Orphanet 371364, Orphanet 700333, MedGen C4225203, MONDO:0014777, OMIM 616801.
Inborn genetic diseases. Identifiers: MedGen C0950123, MeSH D030342.

Allele frequency attached by ClinVar (database versions not stated): gnomAD 0.00001; gnomAD exomes 0.00001; ExAC 0.00005.
gnomAD v4.1: 21 of 1,551,496 alleles (0.0014%); highest among the groups gnomAD compares: South Asian, 0.024%; no homozygotes.

Submissions (3):

Ambry Genetics
Classification: Uncertain significance for Inborn genetic diseases. Last evaluated: 2025-07-03. Review status: criteria provided, single submitter. Criteria: Ambry Variant Classification Scheme 2023. Collection method: clinical testing. Allele origin: germline.

Neuberg Centre For Genomic Medicine, NCGM
Classification: Uncertain significance for Hypotonia, infantile, with psychomotor retardation and characteristic facies 2. Last evaluated: 2024-02-01. Review status: criteria provided, single submitter. Criteria: ACMG Guidelines, 2015. Collection method: clinical testing. Allele origin: germline. Inheritance: Autosomal recessive inheritance.

Labcorp Genetics (formerly Invitae), Labcorp
Classification: Uncertain significance. Last evaluated: 2022-03-10. Review status: criteria provided, single submitter. Criteria: Invitae Variant Classification Sherloc (09022015). Collection method: clinical testing. Allele origin: germline.
Comment: This sequence change replaces methionine, which is neutral and non-polar, with threonine, which is neutral and polar, at codon 2565 of the UNC80 protein (p.Met2565Thr). This variant is present in population databases (rs764391465, gnomAD 0.02%). This variant has not been reported in the literature in individuals affected with UNC80-related conditions. Algorithms developed to predict the effect of missense changes on protein structure and function are either unavailable or do not agree on the potential impact of this missense change (SIFT: "Not Available"; PolyPhen-2: "Benign"; Align-GVGD: "Not Available"). In summary, the available evidence is currently insufficient to determine the role of this variant in disease. Therefore, it has been classified as a Variant of Uncertain Significance.